The following is an entry in ClinVar:

NM_000051.4(ATM):c.6947T>A (p.Ile2316Asn)

Genes: ATM (ATM serine/threonine kinase; plus strand), C11orf65 (chromosome 11 open reading frame 65; minus strand). Cytogenetic location: 11q22.3.
Variant type: single nucleotide variant.
Coding change: c.6947T>A on transcript NM_000051.4 (MANE Select); coding-DNA position 6947, T replaced by A.
Protein change: p.Ile2316Asn; replaces isoleucine 2316 with asparagine.
Molecular consequence: missense variant. On other transcripts: intron variant (2).
Genome position (GRCh38, 1-based): chr11:108,326,197, T>A. VCF-style: chr11-108326197-T-A. GRCh37 (hg19) VCF-style: chr11-108196924-T-A.
Other names: c.641-17126A>T (NM_001330368.2); c.*38+9023A>T (NM_001351110.2); c.6947T>A, p.Ile2316Asn (NM_001351834.2); short protein forms I2316N.
Identifiers: ClinVar variation 1035414 (VCV001035414.9), dbSNP rs1591134289, ClinGen allele CA382557297.

ClinVar aggregate classification (germline): Uncertain significance (1 of 4 stars; one submission).

Conditions:
Ataxia-telangiectasia syndrome (AT). Also called: Ataxia telangiectasia (A-T); ATAXIA-TELANGIECTASIA, COMPLEMENTATION GROUP A; ATAXIA-TELANGIECTASIA, FRESNO VARIANT; Ataxia-telangiectasia; Ataxia-telangiectasia, complementation group E; LOUIS-BAR SYNDROME. Identifiers: Orphanet 100, MedGen C0004135, MONDO:0008840, OMIM 208900.

Submission:

Labcorp Genetics (formerly Invitae), Labcorp
Classification: Uncertain significance for Ataxia-telangiectasia syndrome. Last evaluated: 2020-10-01. Review status: criteria provided, single submitter. Criteria: Invitae Variant Classification Sherloc (09022015). Collection method: clinical testing. Allele origin: germline.
Comment: This variant has not been reported in the literature in individuals with ATM-related conditions. In summary, the available evidence is currently insufficient to determine the role of this variant in disease. Therefore, it has been classified as a Variant of Uncertain Significance. Advanced modeling of protein sequence and biophysical properties (such as structural, functional, and spatial information, amino acid conservation, physicochemical variation, residue mobility, and thermodynamic stability) performed at Invitae indicates that this missense variant is not expected to disrupt ATM protein function. This variant is not present in population databases (ExAC no frequency). This sequence change replaces isoleucine with asparagine at codon 2316 of the ATM protein (p.Ile2316Asn). The isoleucine residue is highly conserved and there is a large physicochemical difference between isoleucine and asparagine.